The following is an entry in ClinVar:

ClinVar aggregate classification (germline): Pathogenic (1 of 4 stars; one submission).

Conditions:
Neurofibromatosis, type 1 (NF1). Also called: VON RECKLINGHAUSEN DISEASE; Neurofibromatosis, type I; NEUROFIBROMATOSIS, TYPE I, SOMATIC; Peripheral type neurofibromatosis. Identifiers: Orphanet 636, MedGen C0027831, MONDO:0018975, OMIM 162200. Disease mechanism: loss of function.

Submission:

Labcorp Genetics (formerly Invitae), Labcorp
Classification: Pathogenic for Neurofibromatosis, type 1. Last evaluated: 2021-07-28. Review status: criteria provided, single submitter. Criteria: Invitae Variant Classification Sherloc (09022015). Collection method: clinical testing. Allele origin: germline.
Comment: For these reasons, this variant has been classified as Pathogenic. This variant has not been reported in the literature in individuals affected with NF1-related conditions. This variant is not present in population databases (ExAC no frequency). This sequence change creates a premature translational stop signal (p.Tyr1500Ilefs*53) in the NF1 gene. It is expected to result in an absent or disrupted protein product. Loss-of-function variants in NF1 are known to be pathogenic (PMID: 10712197, 23913538).

Literature cited by the submitters: PubMed 10712197; PubMed 23913538.

NM_001042492.3(NF1):c.4561del (p.Tyr1521fs)

Gene: NF1 (neurofibromin 1; plus strand). Cytogenetic location: 17q11.2.
Variant type: Deletion.
Coding change: c.4561del on transcript NM_001042492.3 (MANE Select); coding-DNA position 4561, one base deleted (T; older notation c.4561delT).
Protein change: p.Tyr1521fs; shifts the reading frame from tyrosine 1521.
Molecular consequence: frameshift variant.
Genome position (GRCh38, 1-based): chr17:31,260,499, T deleted. VCF-style (leftmost placement, unchanged base first): chr17-31260498-GT-G. GRCh37 (hg19) VCF-style: chr17-29587516-GT-G.
Other names: c.4498delT, p.Tyr1500Ilefs (NM_000267.4); short protein forms Y1500fs, Y1521fs.
Identifiers: ClinVar variation 1388259 (VCV001388259.6), dbSNP rs2151464832, ClinGen allele CA2573153655.